The following is an entry in ClinVar:

NM_001129.5(AEBP1):c.3101G>A (p.Arg1034Gln)

Gene: AEBP1 (AE binding protein 1; plus strand). Cytogenetic location: 7p13.
Variant type: single nucleotide variant.
Coding change: c.3101G>A on transcript NM_001129.5 (MANE Select); coding-DNA position 3101, G replaced by A.
Protein change: p.Arg1034Gln; replaces arginine 1034 with glutamine.
Molecular consequence: missense variant.
Genome position (GRCh38, 1-based): chr7:44,113,885, G>A. VCF-style: chr7-44113885-G-A. GRCh37 (hg19) VCF-style: chr7-44153484-G-A.
Other names: short protein forms R1034Q.
Identifiers: ClinVar variation 1965557 (VCV001965557.5), dbSNP rs754811948, ClinGen allele CA4238408.

ClinVar aggregate classification (germline): Uncertain significance (1 of 4 stars; one submission).

Allele frequency attached by ClinVar (database versions not stated): ExAC 0.00001; gnomAD exomes 0.00001; TOPMed 0.00001.

Submission:

Labcorp Genetics (formerly Invitae), Labcorp
Classification: Uncertain significance. Last evaluated: 2024-02-19. Review status: criteria provided, single submitter. Criteria: Invitae Variant Classification Sherloc (09022015). Collection method: clinical testing. Allele origin: germline.
Comment: This sequence change replaces arginine, which is basic and polar, with glutamine, which is neutral and polar, at codon 1034 of the AEBP1 protein (p.Arg1034Gln). This variant is present in population databases (rs754811948, gnomAD 0.005%). This variant has not been reported in the literature in individuals affected with AEBP1-related conditions. ClinVar contains an entry for this variant (Variation ID: 1965557). An algorithm developed to predict the effect of missense changes on protein structure and function (PolyPhen-2) suggests that this variant is likely to be tolerated. In summary, the available evidence is currently insufficient to determine the role of this variant in disease. Therefore, it has been classified as a Variant of Uncertain Significance.